The following is an entry in ClinVar:

NM_080764.4(ZNF280B):c.1419G>A (p.Lys473=)

Genes: IGL (immunoglobulin lambda locus; plus strand), ZNF280B (zinc finger protein 280B; minus strand). Cytogenetic location: 22q11.22.
Variant type: single nucleotide variant.
Coding change: c.1419G>A on transcript NM_080764.4 (MANE Select); coding-DNA position 1419, G replaced by A.
Protein change: p.Lys473=; no amino-acid change (lysine 473 retained).
Molecular consequence: synonymous variant. On other transcripts: non-coding transcript variant (1).
Genome position (GRCh38, 1-based): chr22:22,487,980, C>T on the plus strand (G>A on the coding strand, the complement: ZNF280B is on the minus strand). VCF-style: chr22-22487980-C-T. GRCh37 (hg19) VCF-style: chr22-22842305-C-T.
Identifiers: ClinVar variation 4872766 (VCV004872766.2).

ClinVar aggregate classification (germline): Likely benign (1 of 4 stars; one submission).

Submission:

CeGaT Center for Human Genetics Tuebingen
Classification: Likely benign. Last evaluated: 2026-05-01. Review status: criteria provided, single submitter. Criteria: CeGaT Center For Human Genetics Tuebingen Variant Classification Criteria Version 2. Collection method: clinical testing. Allele origin: germline. Affected: yes. Observed: 1 variant allele.
Comment: ZNF280B: PM2:Supporting, BP4, BP7